The following is an entry in ClinVar:

ClinVar aggregate classification (germline): Conflicting classifications of pathogenicity. Review status: criteria provided, conflicting classifications (1 of 4 stars). 2 submissions from 2 submitters: Uncertain significance (1); Likely benign (1). Last evaluated 2025-12-11.

Conditions:
Cardiovascular phenotype. Identifiers: MedGen CN230736.
Long QT syndrome (LQTS). Identifiers: MedGen C0023976, MeSH D008133, MONDO:0002442. Disease mechanism: loss of function. Inheritance: Various modes of inheritance.

Allele frequency attached by ClinVar (database versions not stated): gnomAD exomes below 0.00001; ExAC 0.00001.
gnomAD v4.1: 5 of 1,613,826 alleles (0.00031%); highest among the groups gnomAD compares: Admixed American, 0.0083%; no homozygotes.

Submissions (2):

Ambry Genetics
Classification: Uncertain significance for Cardiovascular phenotype. Last evaluated: 2025-12-11. Review status: criteria provided, single submitter. Criteria: Ambry Variant Classification Scheme 2023. Collection method: clinical testing. Allele origin: germline.
Comment: The p.Q2048E variant (also known as c.6142C>G), located in coding exon 38 of the ANK2 gene, results from a C to G substitution at nucleotide position 6142. The glutamine at codon 2048 is replaced by glutamic acid, an amino acid with highly similar properties. This amino acid position is conserved. In addition, this alteration is predicted to be tolerated by in silico analysis. Based on the available evidence, the clinical significance of this variant remains unclear.

Labcorp Genetics (formerly Invitae), Labcorp
Classification: Likely benign for Long QT syndrome. Last evaluated: 2023-10-10. Review status: criteria provided, single submitter. Criteria: Invitae Variant Classification Sherloc (09022015). Collection method: clinical testing. Allele origin: germline.

NM_001148.6(ANK2):c.6142C>G (p.Gln2048Glu)

Genes: ANK2 (ankyrin 2; plus strand), LOC126807136 (MED14-independent group 3 enhancer GRCh37_chr4:114274931-114276130; plus strand). Cytogenetic location: 4q26.
Variant type: single nucleotide variant.
Coding change: c.6142C>G on transcript NM_001148.6 (MANE Select); coding-DNA position 6142, C replaced by G.
Protein change: p.Gln2048Glu; replaces glutamine 2048 with glutamic acid.
Molecular consequence: missense variant. On other transcripts: intron variant (68).
Genome position (GRCh38, 1-based): chr4:113,354,760, C>G. VCF-style: chr4-113354760-C-G. GRCh37 (hg19) VCF-style: chr4-114275916-C-G.
Other names: c.4360+4511C>G (NM_001386161.1, NM_001354244.2, NM_001354256.2); c.4285+4511C>G (NM_001354261.2); c.4165+4511C>G (NM_001386156.1, NM_001354257.2); c.4261+4511C>G (NM_001354264.2); c.4240+4511C>G (NM_001354267.2, NM_001386162.1, NM_001354249.2 and 2 more transcripts); c.4141+4511C>G (NM_001354271.2, NM_001386151.1, NM_001354260.2); c.3943+4511C>G (NM_001386158.1); c.4471+4511C>G (NM_001354241.2, NM_001386144.1, NM_001354240.2); and 35 more; short protein forms Q2087E, Q2095E, Q1970E, Q2048E, Q848E.
Identifiers: ClinVar variation 2723735 (VCV002723735.4), dbSNP rs769677208, ClinGen allele CA3051370.